The following is an entry in ClinVar:

ClinVar aggregate classification (germline): Uncertain significance (1 of 4 stars; one submission).

gnomAD v4.1: 4 of 1,613,848 alleles (0.00025%); highest among the groups gnomAD compares: East Asian, 0.0022%; no homozygotes.

Submission:

Labcorp Genetics (formerly Invitae), Labcorp
Classification: Uncertain significance. Last evaluated: 2024-02-02. Review status: criteria provided, single submitter. Criteria: Invitae Variant Classification Sherloc (09022015). Collection method: clinical testing. Allele origin: germline.
Comment: This sequence change replaces glutamic acid, which is acidic and polar, with lysine, which is basic and polar, at codon 1950 of the FLNB protein (p.Glu1950Lys). The frequency data for this variant in the population databases is considered unreliable, as metrics indicate poor data quality at this position in the gnomAD database. This variant has not been reported in the literature in individuals affected with FLNB-related conditions. Advanced modeling of protein sequence and biophysical properties (such as structural, functional, and spatial information, amino acid conservation, physicochemical variation, residue mobility, and thermodynamic stability) performed at Invitae indicates that this missense variant is not expected to disrupt FLNB protein function with a negative predictive value of 95%. In summary, the available evidence is currently insufficient to determine the role of this variant in disease. Therefore, it has been classified as a Variant of Uncertain Significance.

NM_001457.4(FLNB):c.5848G>A (p.Glu1950Lys)

Gene: FLNB (filamin B; plus strand). Cytogenetic location: 3p14.3.
Variant type: single nucleotide variant.
Coding change: c.5848G>A on transcript NM_001457.4 (MANE Select); coding-DNA position 5848, G replaced by A.
Protein change: p.Glu1950Lys; replaces glutamic acid 1950 with lysine.
Molecular consequence: missense variant.
Genome position (GRCh38, 1-based): chr3:58,148,325, G>A. VCF-style: chr3-58148325-G-A. GRCh37 (hg19) VCF-style: chr3-58134052-G-A.
Other names: c.5941G>A, p.Glu1981Lys (NM_001164317.2); c.5815G>A, p.Glu1939Lys (NM_001164318.2); c.5776G>A, p.Glu1926Lys (NM_001164319.2); short protein forms E1939K, E1950K, E1981K, E1926K.
Identifiers: ClinVar variation 3630248 (VCV003630248.2).